The following is an entry in ClinVar:

NM_001080414.4(CCDC88C):c.3497C>G (p.Ala1166Gly)

Gene: CCDC88C (coiled-coil and HOOK domain protein 88C; minus strand). Cytogenetic location: 14q32.11.
Variant type: single nucleotide variant.
Coding change: c.3497C>G on transcript NM_001080414.4 (MANE Select); coding-DNA position 3497, C replaced by G.
Protein change: p.Ala1166Gly; replaces alanine 1166 with glycine.
Molecular consequence: missense variant. On other transcripts: non-coding transcript variant (2).
Genome position (GRCh38, 1-based): chr14:91,303,839, G>C on the plus strand (C>G on the coding strand, the complement: CCDC88C is on the minus strand). VCF-style: chr14-91303839-G-C. GRCh37 (hg19) VCF-style: chr14-91770183-G-C.
Other names: short protein forms A1166G.
Identifiers: ClinVar variation 3385076 (VCV003385076.2).

ClinVar aggregate classification (germline): Uncertain significance. Review status: criteria provided, multiple submitters, no conflicts (2 of 4 stars). 2 submissions from 2 submitters: Uncertain significance (2). Last evaluated 2025-09-08.

Conditions:
Hydrocephalus, nonsyndromic, autosomal recessive 1 (HYC1). Also called: Hydrocephalus, nonsyndromic, autosomal recessive; Congenital hydrocephalus 1. Identifiers: Orphanet 2185, MedGen C3887608, MONDO:0009360, OMIM 236600.

gnomAD v4.1: 7 of 1,613,200 alleles (0.00043%); highest among the groups gnomAD compares: East Asian, 0.011%; no homozygotes.

Submissions (2):

Myriad Genetics, Inc.
Classification: Uncertain significance for Hydrocephalus, nonsyndromic, autosomal recessive 1. Last evaluated: 2025-09-08. Review status: criteria provided, single submitter. Criteria: Myriad Autosomal Dominant, Autosomal Recessive and X-Linked Classification Criteria (2023). Collection method: clinical testing. Allele origin: unknown.
Comment: NM_001080414.3(CCDC88C):c.3497C>G(A1166G) is a missense variant classified as a variant of uncertain significance in the context of congenital hydrocephalus, CCDC88C-related. A1166G has not been observed in cases with relevant disease. Relevant functional assessments of this variant are not available in the literature. A1166G has been observed in referenced population frequency databases. In summary, there is insufficient evidence to classify NM_001080414.3(CCDC88C):c.3497C>G(A1166G) as pathogenic or benign. Please note: this variant was assessed in the context of healthy population screening.

Women's Health and Genetics/Laboratory Corporation of America, LabCorp
Classification: Uncertain significance. Last evaluated: 2024-10-25. Review status: criteria provided, single submitter. Criteria: LabCorp Variant Classification Summary - May 2015. Collection method: clinical testing. Allele origin: germline.
Comment: Variant summary: CCDC88C c.3497C>G (p.Ala1166Gly) results in a non-conservative amino acid change in the encoded protein sequence. Four of five in-silico tools predict a benign effect of the variant on protein function. The variant allele was found at a frequency of 2.4e-05 in 248300 control chromosomes, predominantly at a frequency of 0.00033 within the East Asian subpopulation in the gnomAD database. The available data on variant occurrences in the general population are insufficient to allow any conclusion about variant significance. c.3497C>G has been reported in the literature in one individual affected with epilepsy but the second pathogenic change was not identified (example, Chen_2024). These report(s) do not provide unequivocal conclusions about association of the variant with Congenital hydrocephalus 1. To our knowledge, no experimental evidence demonstrating an impact on protein function has been reported. The following publication has been ascertained in the context of this evaluation (PMID: 38173219). No submitters have cited clinical-significance assessments for this variant to ClinVar. Based on the evidence outlined above, the variant was classified as uncertain significance.

Literature cited by the submitters: PubMed 38173219 (cited by Women's Health and Genetics/Laboratory Corporation of America, LabCorp).